The following is an entry in ClinVar:

NM_001042472.3(ABHD12):c.473T>C (p.Met158Thr)

Gene: ABHD12 (abhydrolase domain containing 12, lysophospholipase; minus strand). Cytogenetic location: 20p11.21.
Variant type: single nucleotide variant.
Coding change: c.473T>C on transcript NM_001042472.3 (MANE Select); coding-DNA position 473, T replaced by C.
Protein change: p.Met158Thr; replaces methionine 158 with threonine.
Molecular consequence: missense variant.
Genome position (GRCh38, 1-based): chr20:25,320,268, A>G on the plus strand (T>C on the coding strand, the complement: ABHD12 is on the minus strand). VCF-style: chr20-25320268-A-G. GRCh37 (hg19) VCF-style: chr20-25300904-A-G.
Other names: p.Met158Thr; c.473T>C, p.Met158Thr (NM_015600.5); short protein forms M158T.
Identifiers: ClinVar variation 1389260 (VCV001389260.7), dbSNP rs748288419, ClinGen allele CA9796134.

ClinVar aggregate classification (germline): Uncertain significance. Review status: criteria provided, multiple submitters, no conflicts (2 of 4 stars). 2 submissions from 2 submitters: Uncertain significance (2). Last evaluated 2023-07-14.

Allele frequency attached by ClinVar (database versions not stated): gnomAD exomes below 0.00001; ExAC 0.00001.

Submissions (2):

Mayo Clinic Laboratories, Mayo Clinic
Classification: Uncertain significance. Last evaluated: 2023-07-14. Review status: criteria provided, single submitter. Criteria: ACMG Guidelines, 2015. Collection method: clinical testing. Allele origin: germline. Observed: 1 variant allele.
Comment: BP4, PM2_moderate

Labcorp Genetics (formerly Invitae), Labcorp
Classification: Uncertain significance. Last evaluated: 2022-09-13. Review status: criteria provided, single submitter. Criteria: Invitae Variant Classification Sherloc (09022015). Collection method: clinical testing. Allele origin: germline.
Comment: Algorithms developed to predict the effect of missense changes on protein structure and function (SIFT, PolyPhen-2, Align-GVGD) all suggest that this variant is likely to be tolerated. In summary, the available evidence is currently insufficient to determine the role of this variant in disease. Therefore, it has been classified as a Variant of Uncertain Significance. ClinVar contains an entry for this variant (Variation ID: 1389260). This variant has not been reported in the literature in individuals affected with ABHD12-related conditions. This variant is present in population databases (rs748288419, gnomAD 0.003%). This sequence change replaces methionine, which is neutral and non-polar, with threonine, which is neutral and polar, at codon 158 of the ABHD12 protein (p.Met158Thr).